The following is an entry in ClinVar:

NM_000257.4(MYH7):c.-22C>T

Gene: MYH7 (myosin heavy chain 7; minus strand). Cytogenetic location: 14q11.2.
Variant type: single nucleotide variant.
Coding change: c.-22C>T on transcript NM_000257.4 (MANE Select); 22 bases upstream of the start codon, C replaced by T.
Molecular consequence: 5 prime UTR variant.
Genome position (GRCh38, 1-based): chr14:23,434,207, G>A on the plus strand (C>T on the coding strand, the complement: MYH7 is on the minus strand). VCF-style: chr14-23434207-G-A. GRCh37 (hg19) VCF-style: chr14-23903416-G-A.
Other names: c.-22C>T (LRG_384t1).
Identifiers: ClinVar variation 516474 (VCV000516474.1), dbSNP rs1345302176, ClinGen allele CA658798186.

ClinVar aggregate classification (germline): Likely benign (1 of 4 stars; one submission).

Allele frequency attached by ClinVar (database versions not stated): gnomAD 0.00001; TOPMed 0.00001.

Submission:

GeneDx
Classification: Likely benign. Last evaluated: 2017-08-30. Review status: criteria provided, single submitter. Criteria: GeneDx Variant Classification (06012015). Collection method: clinical testing. Allele origin: germline. Affected: yes.
Comment: This variant is considered likely benign or benign based on one or more of the following criteria: it is a conservative change, it occurs at a poorly conserved position in the protein, it is predicted to be benign by multiple in silico algorithms, and/or has population frequency not consistent with disease.